The following is an entry in ClinVar:

NM_213599.3(ANO5):c.648+4G>C

Gene: ANO5 (anoctamin 5; plus strand). Cytogenetic location: 11p14.3.
Variant type: single nucleotide variant.
Coding change: c.648+4G>C on transcript NM_213599.3 (MANE Select); 4 bases into the intron after coding-DNA position 648, G replaced by C.
Molecular consequence: intron variant.
Genome position (GRCh38, 1-based): chr11:22,227,590, G>C. VCF-style: chr11-22227590-G-C. GRCh37 (hg19) VCF-style: chr11-22249136-G-C.
Other names: c.645+4G>C (NM_001142649.2).
Identifiers: ClinVar variation 2086036 (VCV002086036.4), dbSNP rs144441862, ClinGen allele CA218735520.

ClinVar aggregate classification (germline): Uncertain significance (1 of 4 stars; one submission).

Conditions:
Gnathodiaphyseal dysplasia (GDD). Also called: GNATHODIAPHYSEAL SCLEROSIS; OSTEOGENESIS IMPERFECTA WITH UNUSUAL SKELETAL LESIONS. Identifiers: Orphanet 53697, MedGen C1833736, MONDO:0008151, OMIM 166260.
Autosomal recessive limb-girdle muscular dystrophy type 2L (LGMDR12). Also called: Limb-girdle muscular dystrophy, type 2L; MUSCULAR DYSTROPHY, LIMB-GIRDLE, AUTOSOMAL RECESSIVE 12; Limb-Girdle Muscular Dystrophy R12 Anoctamin-5-Related (LGMD-R12). Identifiers: Orphanet 206549, MedGen C1969785, MONDO:0012652, OMIM 611307.

Allele frequency attached by ClinVar (database versions not stated): gnomAD 0.00001; 1000 Genomes Project 30x 0.00016; 1000 Genomes Project 0.00020.
gnomAD v4.1: 1 of 1,613,184 alleles (0.000062%); highest among the groups gnomAD compares: East Asian, 0.0022%; no homozygotes.

Submission:

Labcorp Genetics (formerly Invitae), Labcorp
Classification: Uncertain significance for Autosomal recessive limb-girdle muscular dystrophy type 2L; Gnathodiaphyseal dysplasia. Last evaluated: 2022-08-09. Review status: criteria provided, single submitter. Criteria: Invitae Variant Classification Sherloc (09022015). Collection method: clinical testing. Allele origin: germline.
Comment: This sequence change falls in intron 7 of the ANO5 gene. It does not directly change the encoded amino acid sequence of the ANO5 protein. It affects a nucleotide within the consensus splice site. In summary, the available evidence is currently insufficient to determine the role of this variant in disease. Therefore, it has been classified as a Variant of Uncertain Significance. Variants that disrupt the consensus splice site are a relatively common cause of aberrant splicing (PMID: 17576681, 9536098). Algorithms developed to predict the effect of sequence changes on RNA splicing suggest that this variant may disrupt the consensus splice site. This variant has not been reported in the literature in individuals affected with ANO5-related conditions. This variant is not present in population databases (gnomAD no frequency).

Literature cited by the submitters: PubMed 17576681; PubMed 9536098.